The following is an entry in ClinVar:

ClinVar aggregate classification (germline): Uncertain significance (1 of 4 stars; one submission).

Conditions:
Deficiency of isobutyryl-CoA dehydrogenase. Also called: ACAD8 DEFICIENCY; IBD DEFICIENCY; ACYL-CoA DEHYDROGENASE FAMILY, MEMBER 8, DEFICIENCY OF. Identifiers: Orphanet 79159, MedGen C1969809, MONDO:0012648, OMIM 611283.

Allele frequency attached by ClinVar (database versions not stated): gnomAD exomes below 0.00001.
gnomAD v4.1: 3 of 1,599,488 alleles (0.00019%); highest among the groups gnomAD compares: Non-Finnish European, 0.00026%; no homozygotes.

Submission:

Labcorp Genetics (formerly Invitae), Labcorp
Classification: Uncertain significance for Deficiency of isobutyryl-CoA dehydrogenase. Last evaluated: 2020-02-28. Review status: criteria provided, single submitter. Criteria: Invitae Variant Classification Sherloc (09022015). Collection method: clinical testing. Allele origin: germline.
Comment: This sequence change replaces valine with phenylalanine at codon 22 of the ACAD8 protein (p.Val22Phe). The valine residue is weakly conserved and there is a small physicochemical difference between valine and phenylalanine. This variant is not present in population databases (ExAC no frequency). This variant has not been reported in the literature in individuals with ACAD8-related conditions. Algorithms developed to predict the effect of missense changes on protein structure and function (SIFT, PolyPhen-2, Align-GVGD) all suggest that this variant is likely to be tolerated, but these predictions have not been confirmed by published functional studies and their clinical significance is uncertain. In summary, the available evidence is currently insufficient to determine the role of this variant in disease. Therefore, it has been classified as a Variant of Uncertain Significance.

NM_014384.3(ACAD8):c.64G>T (p.Val22Phe)

Gene: ACAD8 (acyl-CoA dehydrogenase family member 8; plus strand). Cytogenetic location: 11q25.
Variant type: single nucleotide variant.
Coding change: c.64G>T on transcript NM_014384.3 (MANE Select); coding-DNA position 64, G replaced by T.
Protein change: p.Val22Phe; replaces valine 22 with phenylalanine.
Molecular consequence: missense variant.
Genome position (GRCh38, 1-based): chr11:134,253,664, G>T. VCF-style: chr11-134253664-G-T. GRCh37 (hg19) VCF-style: chr11-134123558-G-T.
Other names: short protein forms V22F.
Identifiers: ClinVar variation 1036940 (VCV001036940.9), dbSNP rs1274417206, ClinGen allele CA383511850.